The following is an entry in ClinVar:

NM_002691.4(POLD1):c.534_537del (p.Arg180fs)

Gene: POLD1 (DNA polymerase delta 1, catalytic subunit; plus strand). Cytogenetic location: 19q13.33.
Variant type: Deletion.
Coding change: c.534_537del on transcript NM_002691.4 (MANE Select); coding-DNA positions 534 to 537, 4 bases deleted (GGGG; older notation c.534_537delGGGG).
Protein change: p.Arg180fs; shifts the reading frame from arginine 180.
Molecular consequence: frameshift variant. On other transcripts: non-coding transcript variant (1).
Genome position (GRCh38, 1-based): chr19:50,402,069-50,402,072, GGGG deleted; deleting any 4 consecutive bases within chr19:50,402,067-50,402,072 gives the same sequence; the c. name uses the placement nearest the transcript's 3' end. VCF-style (leftmost placement, unchanged base first): chr19-50402066-CGGGG-C. GRCh37 (hg19) VCF-style: chr19-50905323-CGGGG-C.
Other names: c.534_537delGGGG (NM_002691.2); c.534_537del, p.Arg180fs (NM_001256849.1, NM_001308632.1); short protein forms R180fs.
Identifiers: ClinVar variation 1361256 (VCV001361256.7), dbSNP rs1568619502, ClinGen allele CA633897361.
Genomic context (GRCh38, chr19:50,402,066, plus strand): 5'-GCCCGAGCACATGGGTGACCTGCAACGGGAGCTGAACTTGGCCATCAGCCGGGACAGTCG[CGGGG>C]GGAGGGAGCTGACTGGGCCGGCCGTGCTGGCTGTGGAACTGTGCTCCCGAGAGAGTGAGT-3'

ClinVar aggregate classification (germline): Uncertain significance. Review status: criteria provided, multiple submitters, no conflicts (2 of 4 stars). 2 submissions from 2 submitters: Uncertain significance (2). Last evaluated 2026-01-18.

Conditions:
POLD1-related polyposis and colorectal cancer syndrome (CRCS10). Also called: Colorectal cancer, susceptibility to, 10; Colorectal cancer 10; COLORECTAL CANCER, SUSCEPTIBILITY TO, ON CHROMOSOME 19q. Identifiers: Orphanet 220460, MedGen C2675481, MONDO:0012953, OMIM 612591.
Hereditary cancer-predisposing syndrome. Also called: Tumor predisposition; Hereditary Cancer Syndrome; Hereditary neoplastic syndrome; Neoplastic Syndromes, Hereditary. Identifiers: Orphanet 140162, MedGen C0027672, MeSH D009386, MONDO:0015356.

Submissions (2):

Labcorp Genetics (formerly Invitae), Labcorp
Classification: Uncertain significance for POLD1-related polyposis and colorectal cancer syndrome. Last evaluated: 2026-01-18. Review status: criteria provided, single submitter. Criteria: Invitae Variant Classification Sherloc (09022015). Collection method: clinical testing. Allele origin: germline.
Comment: This sequence change creates a premature translational stop signal (p.Arg180Serfs*2) in the POLD1 gene. Missense variants that disrupt the 3'-5' exonuclease (proof-reading) activity of the POLD1 protein are associated with PPAP (polymerase proofreading–associated polyposis) (PMID: 23263490, 23447401). However, loss-of-function variants that result in an absent or severely disrupted POLD1 protein, and missense variants outside the exonuclease domain, are unlikely to be associated with PPAP. This variant is present in population databases (no rsID available, gnomAD 0.0009%). This variant has not been reported in the literature in individuals affected with POLD1-related conditions. ClinVar contains an entry for this variant (Variation ID: 1361256). In summary, the available evidence is currently insufficient to determine the role of this variant in disease. Therefore, it has been classified as a Variant of Uncertain Significance.

Ambry Genetics
Classification: Uncertain significance for Hereditary cancer-predisposing syndrome. Last evaluated: 2024-11-08. Review status: criteria provided, single submitter. Criteria: Ambry Variant Classification Scheme 2023. Collection method: clinical testing. Allele origin: germline.
Comment: The c.534_537delGGGG variant, located in coding exon 4 of the POLD1 gene, results from a deletion of 4 nucleotides at nucleotide positions 534 to 537, causing a translational frameshift with a predicted alternate stop codon (p.R180Sfs*2). This alteration is expected to result in loss of function by premature protein truncation or nonsense-mediated mRNA decay. However, loss of function of POLD1 has not been established as a mechanism of disease. Based on the available evidence, the clinical significance of this alteration remains unclear.

Literature cited by the submitters: PubMed 23263490 (cited by Labcorp Genetics (formerly Invitae), Labcorp); PubMed 23447401 (cited by Labcorp Genetics (formerly Invitae), Labcorp).